The following is an entry in ClinVar:

ClinVar aggregate classification (germline): Uncertain significance (1 of 4 stars; one submission).

Allele frequency attached by ClinVar (database versions not stated): gnomAD exomes below 0.00001.
gnomAD v4.1: 4 of 1,613,876 alleles (0.00025%); highest among the groups gnomAD compares: Non-Finnish European, 0.00034%; no homozygotes.

Submission:

Labcorp Genetics (formerly Invitae), Labcorp
Classification: Uncertain significance. Last evaluated: 2024-01-25. Review status: criteria provided, single submitter. Criteria: Invitae Variant Classification Sherloc (09022015). Collection method: clinical testing. Allele origin: germline.
Comment: This sequence change replaces alanine, which is neutral and non-polar, with serine, which is neutral and polar, at codon 421 of the PRPF8 protein (p.Ala421Ser). This variant is not present in population databases (gnomAD no frequency). This variant has not been reported in the literature in individuals affected with PRPF8-related conditions. Advanced modeling of protein sequence and biophysical properties (such as structural, functional, and spatial information, amino acid conservation, physicochemical variation, residue mobility, and thermodynamic stability) performed at Invitae indicates that this missense variant is not expected to disrupt PRPF8 protein function with a negative predictive value of 80%. In summary, the available evidence is currently insufficient to determine the role of this variant in disease. Therefore, it has been classified as a Variant of Uncertain Significance.

NM_006445.4(PRPF8):c.1261G>T (p.Ala421Ser)

Gene: PRPF8 (pre-mRNA processing factor 8; minus strand). Cytogenetic location: 17p13.3.
Variant type: single nucleotide variant.
Coding change: c.1261G>T on transcript NM_006445.4 (MANE Select); coding-DNA position 1261, G replaced by T.
Protein change: p.Ala421Ser; replaces alanine 421 with serine.
Molecular consequence: missense variant.
Genome position (GRCh38, 1-based): chr17:1,679,637, C>A on the plus strand (G>T on the coding strand, the complement: PRPF8 is on the minus strand). VCF-style: chr17-1679637-C-A. GRCh37 (hg19) VCF-style: chr17-1582931-C-A.
Other names: short protein forms A421S.
Identifiers: ClinVar variation 2995421 (VCV002995421.3), dbSNP rs1597248306, ClinGen allele CA397563013.
Genomic context (GRCh38, chr17:1,679,637, plus strand): 5'-ATCATTCCCCCTGCCACAGGGAAAAACCTTACCAGTTCTTGACAAGGGGTATGTCCAGGG[C>A]CCGACGGGTGCGACCAGAGCGTAGGTTGAAGGGCCGCGGGGCCCAGAGCAGGGCAATGCC-3'
Protein context (NP_006436.3, residues 411-431): FNLRSGRTRR[Ala421Ser]LDIPLVKNWY